The following is an entry in ClinVar:

NM_032578.4(MYPN):c.3040G>A (p.Asp1014Asn)

Genes: MYPN (myopalladin; plus strand), LOC132089829 (Neanderthal introgressed variant-containing enhancer experimental_16132; plus strand). Cytogenetic location: 10q21.3.
Variant type: single nucleotide variant.
Coding change: c.3040G>A on transcript NM_032578.4 (MANE Select); coding-DNA position 3040, G replaced by A.
Protein change: p.Asp1014Asn; replaces aspartic acid 1014 with asparagine.
Molecular consequence: missense variant. On other transcripts: non-coding transcript variant (2).
Genome position (GRCh38, 1-based): chr10:68,194,477, G>A. VCF-style: chr10-68194477-G-A. GRCh37 (hg19) VCF-style: chr10-69954234-G-A.
Other names: c.3040G>A, p.Asp1014Asn (NM_001256267.2); c.2158G>A, p.Asp720Asn (NM_001256268.2); short protein forms D1014N, D720N.
Identifiers: ClinVar variation 518494 (VCV000518494.17), dbSNP rs769591145, ClinGen allele CA5522925.
Genomic context (GRCh38, chr10:68,194,477, plus strand): 5'-ATGAGGCGAGAAGGAGATGGGACATGCTCTCTGCACATTGAATCCACTACCAGTGATGAC[G>A]ATGGCAACTACACCATCATGGCAGCCAACCCCCAGGTGGAGACGCAGGGTTCTGCGCTGT-3'
Protein context (NP_115967.2, residues 1004-1024): LHIESTTSDD[Asp1014Asn]GNYTIMAANP

ClinVar aggregate classification (germline): Uncertain significance. Review status: criteria provided, multiple submitters, no conflicts (2 of 4 stars). 6 submissions from 6 submitters: Uncertain significance (6). Last evaluated 2026-01-21.

Conditions:
Dilated cardiomyopathy 1KK (CMD1KK). Identifiers: Orphanet 154, Orphanet 75249, MedGen C3714995, MONDO:0014100, OMIM 615248.
MYPN-related disorder. Also called: MYPN-related condition.
Cardiovascular phenotype. Identifiers: MedGen CN230736.
MYPN-related myopathy (CMYO24). Also called: Nemaline myopathy 11, autosomal recessive. Identifiers: MedGen C4479186, MONDO:0015023, OMIM 617336.

Allele frequency attached by ClinVar (database versions not stated): gnomAD 0.00001; ExAC 0.00002; gnomAD exomes 0.00002; TOPMed 0.00002; 1000 Genomes Project 30x 0.00031.
gnomAD v4.1: 38 of 1,613,860 alleles (0.0024%); highest among the groups gnomAD compares: Non-Finnish European, 0.003%; no homozygotes.

Submissions (6):

PreventionGenetics, part of Exact Sciences
Classification: Uncertain significance for MYPN-related condition. Last evaluated: 2026-01-21. Review status: criteria provided, single submitter. Criteria: ACMG Guidelines, 2015. Collection method: clinical testing. Allele origin: germline.
Comment: The MYPN c.3040G>A variant is predicted to result in the amino acid substitution p.Asp1014Asn. To our knowledge, this variant has not been reported in the literature. This variant is reported in 0.0035% of alleles in individuals of European (Non-Finnish) descent in gnomAD. At this time, the clinical significance of this variant is uncertain due to the absence of conclusive functional and genetic evidence.

Labcorp Genetics (formerly Invitae), Labcorp
Classification: Uncertain significance for Dilated cardiomyopathy 1KK. Last evaluated: 2025-01-02. Review status: criteria provided, single submitter. Criteria: Invitae Variant Classification Sherloc (09022015). Collection method: clinical testing. Allele origin: germline.
Comment: This sequence change replaces aspartic acid, which is acidic and polar, with asparagine, which is neutral and polar, at codon 1014 of the MYPN protein (p.Asp1014Asn). This variant is present in population databases (rs769591145, gnomAD 0.004%). This variant has not been reported in the literature in individuals affected with MYPN-related conditions. ClinVar contains an entry for this variant (Variation ID: 518494). An algorithm developed to predict the effect of missense changes on protein structure and function (PolyPhen-2) suggests that this variant is likely to be disruptive. In summary, the available evidence is currently insufficient to determine the role of this variant in disease. Therefore, it has been classified as a Variant of Uncertain Significance.

Revvity Omics, Revvity
Classification: Uncertain significance. Last evaluated: 2024-06-13. Review status: criteria provided, single submitter. Criteria: ACMG Guidelines, 2015. Collection method: clinical testing. Allele origin: germline.

Ambry Genetics
Classification: Uncertain significance for Cardiovascular phenotype. Last evaluated: 2024-04-06. Review status: criteria provided, single submitter. Criteria: Ambry Variant Classification Scheme 2023. Collection method: clinical testing. Allele origin: germline.

Fulgent Genetics
Classification: Uncertain significance for Dilated cardiomyopathy 1KK; MYPN-related myopathy. Last evaluated: 2021-07-27. Review status: criteria provided, single submitter. Criteria: ACMG Guidelines, 2015. Collection method: clinical testing. Allele origin: unknown.

GeneDx
Classification: Uncertain significance. Last evaluated: 2018-05-21. Review status: criteria provided, single submitter. Criteria: GeneDx Variant Classification (06012015). Collection method: clinical testing. Allele origin: germline. Affected: yes.
Comment: The D1014N variant of uncertain significance in the MYPN gene has not been published as pathogenic or been reported as benign to our knowledge. This variant is not observed at a significant frequency in large population cohorts (Lek et al., 2016). The D1014N variant is a semi-conservative amino acid substitution, which may impact secondary protein structure as these residues differ in some properties. In-silico analyses, including protein predictors and evolutionary conservation, support a deleterious effect. However, this variant lacks observation in a significant number of affected individuals, segregation data, and functional evidence, which would further clarify its pathogenicity.